The following is an entry in ClinVar:

ClinVar aggregate classification (germline): Uncertain significance (1 of 4 stars; one submission).

Submission:

Mayo Clinic Laboratories, Mayo Clinic
Classification: Uncertain significance. Last evaluated: 2023-10-19. Review status: criteria provided, single submitter. Criteria: ACMG Guidelines, 2015. Collection method: clinical testing. Allele origin: germline. Observed: 1 variant allele.
Comment: BP4, PM2

NM_016122.3(CEP83):c.977T>G (p.Ile326Ser)

Gene: CEP83 (centrosomal protein 83; minus strand). Cytogenetic location: 12q22.
Variant type: single nucleotide variant.
Coding change: c.977T>G on transcript NM_016122.3 (MANE Select); coding-DNA position 977, T replaced by G.
Protein change: p.Ile326Ser; replaces isoleucine 326 with serine.
Molecular consequence: missense variant. On other transcripts: non-coding transcript variant (2).
Genome position (GRCh38, 1-based): chr12:94,369,993, A>C on the plus strand (T>G on the coding strand, the complement: CEP83 is on the minus strand). VCF-style: chr12-94369993-A-C. GRCh37 (hg19) VCF-style: chr12-94763769-A-C.
Other names: p.Ile326Ser; c.977T>G, p.Ile326Ser (NM_001042399.2, NM_001346457.2, NM_001346460.2 and 3 more transcripts); c.665T>G, p.Ile222Ser (NM_001346458.2, NM_001346459.2, NM_001346462.2 and 2 more transcripts); c.752T>G, p.Ile251Ser (NM_001368041.1); c.440T>G, p.Ile147Ser (NM_001368042.1); short protein forms I147S, I222S, I251S, I326S.
Identifiers: ClinVar variation 3380118 (VCV003380118.1).